The following is an entry in ClinVar:

NM_001690.4(ATP6V1A):c.80C>G (p.Pro27Arg)

Gene: ATP6V1A (ATPase H+ transporting V1 subunit A; plus strand). Cytogenetic location: 3q13.31.
Variant type: single nucleotide variant.
Coding change: c.80C>G on transcript NM_001690.4 (MANE Select); coding-DNA position 80, C replaced by G.
Protein change: p.Pro27Arg; replaces proline 27 with arginine.
Molecular consequence: missense variant.
Genome position (GRCh38, 1-based): chr3:113,778,833, C>G. VCF-style: chr3-113778833-C-G. GRCh37 (hg19) VCF-style: chr3-113497680-C-G.
Other names: short protein forms P27R.
Identifiers: ClinVar variation 545526 (VCV000545526.8), dbSNP rs1553709380, ClinGen allele CA354003509.

ClinVar aggregate classification (germline): Pathogenic/Likely pathogenic. Review status: criteria provided, multiple submitters, no conflicts (2 of 4 stars). 3 submissions from 3 submitters: Pathogenic (1); Likely pathogenic (1). 1 of the submissions does not count toward it. Last evaluated 2024-09-27.

Conditions:
Developmental and epileptic encephalopathy 93. Also called: EPILEPTIC ENCEPHALOPATHY, INFANTILE OR EARLY CHILDHOOD, 3. Identifiers: MedGen C4693934, MONDO:0020632, OMIM 618012.
Inborn genetic diseases. Identifiers: MedGen C0950123, MeSH D030342.

Submissions (3):

GeneDx
Classification: Pathogenic. Last evaluated: 2024-09-27. Review status: criteria provided, single submitter. Criteria: GeneDx Variant Classification Process June 2021. Collection method: clinical testing. Allele origin: germline. Affected: yes.
Comment: Not observed at significant frequency in large population cohorts (gnomAD); In silico analysis supports that this missense variant has a deleterious effect on protein structure/function; This variant is associated with the following publications: (PMID: 35675510, 29668857, 32045939)

Ambry Genetics
Classification: Likely pathogenic for Inborn genetic diseases. Last evaluated: 2018-08-16. Review status: criteria provided, single submitter. Criteria: Ambry exome assertion method (8-5-2015). Collection method: clinical testing. Allele origin: germline. Affected: yes. Observed: 1 variant allele.

OMIM
Classification: Pathogenic for DEVELOPMENTAL AND EPILEPTIC ENCEPHALOPATHY 93. Last evaluated: 2021-03-15. Review status: no assertion criteria provided. Collection method: literature only. Allele origin: germline. Not counted in ClinVar's aggregate classification.

Literature cited by the submitters: PubMed 29668857 (cited by Ambry Genetics and OMIM).